The following is an entry in ClinVar:

NM_183357.3(ADCY5):c.1253G>A (p.Arg418Gln)

Gene: ADCY5 (adenylate cyclase 5; minus strand). Cytogenetic location: 3q21.1.
Variant type: single nucleotide variant.
Coding change: c.1253G>A on transcript NM_183357.3 (MANE Select); coding-DNA position 1253, G replaced by A.
Protein change: p.Arg418Gln; replaces arginine 418 with glutamine.
Molecular consequence: missense variant.
Genome position (GRCh38, 1-based): chr3:123,352,463, C>T on the plus strand (G>A on the coding strand, the complement: ADCY5 is on the minus strand). VCF-style: chr3-123352463-C-T. GRCh37 (hg19) VCF-style: chr3-123071310-C-T.
Other names: c.203G>A, p.Arg68Gln (NM_001199642.1); c.1253G>A, p.Arg418Gln (NM_001378259.1); short protein forms R418Q, R68Q.
Identifiers: ClinVar variation 218354 (VCV000218354.64), dbSNP rs864309515, ClinGen allele CA347806.
Genomic context (GRCh38, chr3:123,352,463, plus strand): 5'-CACTGTGCAAGGGCAGGGGCCTCACTCACCTGCTGCTGGTTCTCCCGCTGCGAGTGGAGC[C>T]GCGCCTGGATGCACTCTCGGGTCTCCTGGAAAGCCTGTCTCTGGGAGACCTCAGCCGGAT-3'
Protein context (NP_899200.1, residues 408-428): FQETRECIQA[Arg418Gln]LHSQRENQQQ

ClinVar aggregate classification (germline): Pathogenic. Review status: criteria provided, multiple submitters, no conflicts (2 of 4 stars). 17 submissions from 17 submitters: Pathogenic (11). 6 of the submissions do not count toward it. Last evaluated 2026-06-11.

Conditions:
ADCY5-related disorder. Also called: ADCY5-related condition.
Dyskinesia with orofacial involvement. Identifiers: MedGen C5908309, MONDO:0031115.
Dyskinesia with orofacial involvement, autosomal dominant (DSKOD). Also called: Familial Dyskinesia with Facial Myokymia (FDFM); Dyskinesia, familial, with facial myokymia; Familial dyskinesia and facial myokymia. Identifiers: Orphanet 324588, MedGen C1847627, MONDO:0800028, OMIM 606703.
Neurodevelopmental delay. Identifiers: MedGen C4022738, HP:0012758.

Submissions (17):

Women's Health and Genetics/Laboratory Corporation of America, LabCorp
Classification: Pathogenic for Dyskinesia with orofacial involvement, autosomal dominant. Last evaluated: 2026-06-11. Review status: criteria provided, single submitter. Criteria: LabCorp Variant Classification Summary - May 2015. Collection method: clinical testing. Allele origin: germline.
Comment: Variant summary: ADCY5 c.1253G>A (p.Arg418Gln) results in a conservative amino acid change in the encoded protein sequence. Algorithms developed to predict the effect of missense changes on protein structure and function are either unavailable or do not agree on the potential impact of this missense change. The frequency data for this variant in gnomAD is considered unreliable, as metrics indicate poor data quality at this position. c.1253G>A has been observed de novo in multiple heterozygous individuals affected with Familial Dyskinesia With Facial Myokymia (e.g. Chen_2015, Carecchio_2017). These data indicate that the variant is likely to be associated with disease. The following publications have been ascertained in the context of this evaluation (PMID: 28511835, 26537056). ClinVar contains an entry for this variant (Variation ID: 218354). Based on the evidence outlined above, the variant was classified as pathogenic.

3billion
Classification: Pathogenic for Dyskinesia with orofacial involvement, autosomal dominant. Last evaluated: 2025-12-11. Review status: criteria provided, single submitter. Criteria: ACMG Guidelines, 2015. Collection method: clinical testing. Allele origin: germline. Affected: yes.
Comment: The variant is not observed in the gnomAD v4.1.0 dataset. Predicted Consequence/Location: Missense variant In silico tool predictions suggest damaging effect of the variant on gene or gene product [REVEL: 0.82 (>=0.6, sensitivity 0.68 and specificity 0.92); 3Cnet: 0.99 (> 0.75, sensitivity 0.96 and precision 0.92)]. The same nucleotide change resulting in the same amino acid change has been previously reported as pathogenic/likely pathogenic with strong evidence (ClinVar ID: VCV000218354 /PMID: 26537056 /3billion dataset). The variant has been observed in at least two similarly affected unrelated individuals (PMID: 26537056). Different missense changes at the same codon (p.Arg418Gly, p.Arg418Trp) have been reported as pathogenic/likely pathogenic with strong evidence (ClinVar ID: VCV000162090, VCV001722770 /PMID: 24700542, 27061943 /3billion dataset). Therefore, this variant is classified as Pathogenic according to the recommendation of ACMG/AMP guideline.

PreventionGenetics, part of Exact Sciences
Classification: Pathogenic for ADCY5-related condition. Last evaluated: 2025-08-14. Review status: criteria provided, single submitter. Criteria: ACMG Guidelines, 2015. Collection method: clinical testing. Allele origin: germline.
Comment: The ADCY5 c.1253G>A variant is predicted to result in the amino acid substitution p.Arg418Gln. This variant has been reported as a recurrent de novo variant in multiple individuals with ADCY5-related dyskinesia (see for examples, Chen et al. 2015. PubMed ID: 26537056; Carecchio et al. 2017. PubMed ID: 28511835; Pontrucher et al. 2023. PubMed ID: 38020658). Additionally, an alternate missense substitution affecting the same amino acid (p.Arg418Trp) has been reported in multiple individuals with ADCY5-related dyskinesia (see for examples, Chen et al. 2015. PubMed ID: 26537056; Friedman et al. 2015. PubMed ID: 26686870; Waalkens et al. 2018. PubMed ID: 29473048). An in vitro experimental study suggests this variant has a gain-of-function effect increasing cAMP production and altering downstream effector pathways (Doyle et al. 2019. PubMed ID: 30772269). This variant has not been reported in a large population database (gnomAD), indicating it is rare. Given the evidence, the c.1253G>A (p.Arg418Gln) variant is interpreted as pathogenic.

Labcorp Genetics (formerly Invitae), Labcorp
Classification: Pathogenic. Last evaluated: 2025-06-19. Review status: criteria provided, single submitter. Criteria: Invitae Variant Classification Sherloc (09022015). Collection method: clinical testing. Allele origin: germline.
Comment: This sequence change replaces arginine, which is basic and polar, with glutamine, which is neutral and polar, at codon 418 of the ADCY5 protein (p.Arg418Gln). This variant is not present in population databases (gnomAD no frequency). This missense change has been observed in individual(s) with ADCY5-related conditions (PMID: 26537056, 28511835). In at least one individual the variant was observed to be de novo. ClinVar contains an entry for this variant (Variation ID: 218354). Invitae Evidence Modeling of protein sequence and biophysical properties (such as structural, functional, and spatial information, amino acid conservation, physicochemical variation, residue mobility, and thermodynamic stability) has been performed for this missense variant. However, the output from this modeling did not meet the statistical confidence thresholds required to predict the impact of this variant on ADCY5 protein function. Experimental studies have shown that this missense change affects ADCY5 function (PMID: 30772269). This variant disrupts the p.Arg418 amino acid residue in ADCY5. Other variant(s) that disrupt this residue have been determined to be pathogenic (PMID: 24700542, 26085604). This suggests that this residue is clinically significant, and that variants that disrupt this residue are likely to be disease-causing. For these reasons, this variant has been classified as Pathogenic.

GeneDx
Classification: Pathogenic. Last evaluated: 2023-09-16. Review status: criteria provided, single submitter. Criteria: GeneDx Variant Classification Process June 2021. Collection method: clinical testing. Allele origin: germline. Affected: yes.
Comment: In silico analysis supports that this missense variant has a deleterious effect on protein structure/function; Not observed at significant frequency in large population cohorts (gnomAD); This variant is associated with the following publications: (PMID: 28442302, 27933653, 30772269, 31970214, 26686870, 28229249, 27931826, 29086067, 28511835, 29473048, 27061943, 30172639, 31737037, 35872528, 35002175, 26537056)

Institute of Medical Genetics and Applied Genomics, University Hospital Tübingen
Classification: Pathogenic for Dyskinesia with orofacial involvement, autosomal dominant. Last evaluated: 2022-12-30. Review status: criteria provided, single submitter. Criteria: ACMG Guidelines, 2015. Collection method: clinical testing. Allele origin: germline. Inheritance: Autosomal dominant inheritance. Affected: yes.

Centre of Medical Genetics, University Hospital Muenster
Classification: Pathogenic. Last evaluated: 2022-11-21. Review status: criteria provided, single submitter. Criteria: ACMG Guidelines, 2015. Collection method: clinical testing. Allele origin: unknown. Affected: yes. Observed: 1 variant allele, 1 heterozygote.
Comment: ACMG categories: PS1,PS4,PP5

Blueprint Genetics
Classification: Pathogenic for ADCY5-related disorders. Last evaluated: 2022-07-04. Review status: criteria provided, single submitter. Criteria: ACMG Guidelines, 2015. Collection method: clinical testing. Allele origin: germline. Affected: yes. Observed: 2 variant alleles.

Institute of Human Genetics Munich, TUM University Hospital
Classification: Pathogenic for Dyskinesia with orofacial involvement, autosomal dominant. Last evaluated: 2021-06-10. Review status: criteria provided, single submitter. Criteria: Classification criteria August 2017. Collection method: clinical testing. Allele origin: germline. Inheritance: Autosomal dominant inheritance. Affected: yes. Observed: 1 variant allele.

CeGaT Center for Human Genetics Tuebingen
Classification: Pathogenic. Last evaluated: 2021-02-01. Review status: criteria provided, single submitter. Criteria: CeGaT Center For Human Genetics Tuebingen Variant Classification Criteria Version 2. Collection method: clinical testing. Allele origin: germline. Affected: yes. Observed: 5 variant alleles.

Centre de Biologie Pathologie Génétique, Centre Hospitalier Universitaire de Lille
Classification: Pathogenic for Neurodevelopmental delay. Review status: criteria provided, single submitter. Criteria: ACMG Guidelines, 2015. Collection method: clinical testing. Allele origin: de novo. Affected: yes.

Molecular Genetics Laboratory, BC Children's and BC Women's Hospitals
Classification: Pathogenic for Dyskinesia with orofacial involvement. Last evaluated: 2025-12-16. Review status: no assertion criteria provided. Criteria: ACMG Guidelines, 2015. Collection method: clinical testing. Allele origin: de novo. Affected: yes. Not counted in ClinVar's aggregate classification.

Clinical Genetics DNA and cytogenetics Diagnostics Lab, Erasmus MC, Erasmus Medical Center
Classification: Pathogenic. Review status: no assertion criteria provided. Collection method: clinical testing. Allele origin: germline. Affected: yes. Study: VKGL Data-share Consensus. Not counted in ClinVar's aggregate classification.

Diagnostic Laboratory, Department of Genetics, University Medical Center Groningen
Classification: Pathogenic. Review status: no assertion criteria provided. Collection method: clinical testing. Allele origin: germline. Affected: yes. Study: VKGL Data-share Consensus. Not counted in ClinVar's aggregate classification.

GeneReviews
No classification provided. Condition: Dyskinesia with orofacial involvement, autosomal dominant. Review status: no classification provided. Collection method: literature only. Allele origin: germline. Affected: yes. Not counted in ClinVar's aggregate classification.

Joint Genome Diagnostic Labs from Nijmegen and Maastricht, Radboudumc and MUMC+
Classification: Pathogenic. Review status: no assertion criteria provided. Collection method: clinical testing. Allele origin: germline. Affected: yes. Study: VKGL Data-share Consensus. Not counted in ClinVar's aggregate classification.

Kasturba Medical College, Manipal, Kasturba Medical College, Manipal, Manipal Academy of Higher Education, Manipal, India
Classification: Likely pathogenic for Dyskinesia with orofacial involvement, autosomal dominant. Review status: no assertion criteria provided. Collection method: clinical testing. Allele origin: de novo. Inheritance: Autosomal dominant inheritance. Affected: yes. Not counted in ClinVar's aggregate classification.

Literature cited by the submitters: PubMed 28511835 (cited by Women's Health and Genetics/Laboratory Corporation of America, LabCorp and Labcorp Genetics (formerly Invitae), Labcorp); PubMed 26537056 (cited by 4 submitters); PubMed 24700542 (cited by 3billion and Labcorp Genetics (formerly Invitae), Labcorp); PubMed 30772269 (cited by Labcorp Genetics (formerly Invitae), Labcorp); PubMed 26085604 (cited by Labcorp Genetics (formerly Invitae), Labcorp); NCBI Bookshelf NBK263441 (cited by GeneReviews).